The following is an entry in ClinVar:

ClinVar aggregate classification (germline): Likely benign (1 of 4 stars; one submission).

Submission:

CeGaT Center for Human Genetics Tuebingen
Classification: Likely benign. Last evaluated: 2026-06-01. Review status: criteria provided, single submitter. Criteria: CeGaT Center For Human Genetics Tuebingen Variant Classification Criteria Version 2. Collection method: clinical testing. Allele origin: germline. Affected: yes. Observed: 1 variant allele.
Comment: MDC1: BP4, BP7

NM_014641.3(MDC1):c.4635A>G (p.Gln1545=)

Genes: MDC1 (mediator of DNA damage checkpoint 1; minus strand), MDC1-AS1 (MDC1 antisense RNA 1; plus strand). Cytogenetic location: 6p21.33.
Variant type: single nucleotide variant.
Coding change: c.4635A>G on transcript NM_014641.3 (MANE Select); coding-DNA position 4635, A replaced by G.
Protein change: p.Gln1545=; no amino-acid change (glutamine 1545 retained).
Molecular consequence: synonymous variant.
Genome position (GRCh38, 1-based): chr6:30,704,548, T>C on the plus strand (A>G on the coding strand, the complement: MDC1 is on the minus strand). VCF-style: chr6-30704548-T-C. GRCh37 (hg19) VCF-style: chr6-30672325-T-C.
Identifiers: ClinVar variation 4872446 (VCV004872446.2).